The following is an entry in ClinVar:

NM_015466.4(PTPN23):c.3626G>A (p.Arg1209His)

Gene: PTPN23 (protein tyrosine phosphatase non-receptor type 23; plus strand). Cytogenetic location: 3p21.31.
Variant type: single nucleotide variant.
Coding change: c.3626G>A on transcript NM_015466.4 (MANE Select); coding-DNA position 3626, G replaced by A.
Protein change: p.Arg1209His; replaces arginine 1209 with histidine.
Molecular consequence: missense variant.
Genome position (GRCh38, 1-based): chr3:47,411,424, G>A. VCF-style: chr3-47411424-G-A. GRCh37 (hg19) VCF-style: chr3-47452914-G-A.
Other names: c.3626G>A (NM_015466.2); c.3248G>A, p.Arg1083His (NM_001304482.2); short protein forms R1083H, R1209H.
Identifiers: ClinVar variation 1393714 (VCV001393714.7), dbSNP rs527749239, ClinGen allele CA2366319.

ClinVar aggregate classification (germline): Uncertain significance. Review status: criteria provided, multiple submitters, no conflicts (2 of 4 stars). 3 submissions from 3 submitters: Uncertain significance (3). Last evaluated 2025-12-01.

Conditions:
Inborn genetic diseases. Identifiers: MedGen C0950123, MeSH D030342.

Allele frequency attached by ClinVar (database versions not stated): gnomAD 0.00002 and 0.00005; TOPMed 0.00002; gnomAD exomes 0.00005 and 0.00009; ExAC 0.00008; 1000 Genomes Project 30x 0.00016; 1000 Genomes Project 0.00020.
gnomAD v4.1: 78 of 1,613,096 alleles (0.0048%); highest among the groups gnomAD compares: South Asian, 0.071%; no homozygotes.

Submissions (3):

Labcorp Genetics (formerly Invitae), Labcorp
Classification: Uncertain significance. Last evaluated: 2025-12-01. Review status: criteria provided, single submitter. Criteria: Invitae Variant Classification Sherloc (09022015). Collection method: clinical testing. Allele origin: germline.
Comment: This sequence change replaces arginine, which is basic and polar, with histidine, which is basic and polar, at codon 1209 of the PTPN23 protein (p.Arg1209His). This variant is present in population databases (rs527749239, gnomAD 0.07%). This variant has not been reported in the literature in individuals affected with PTPN23-related conditions. ClinVar contains an entry for this variant (Variation ID: 1393714). An algorithm developed to predict the effect of missense changes on protein structure and function (PolyPhen-2) suggests that this variant is likely to be tolerated. In summary, the available evidence is currently insufficient to determine the role of this variant in disease. Therefore, it has been classified as a Variant of Uncertain Significance.

GeneDx
Classification: Uncertain significance. Last evaluated: 2025-09-23. Review status: criteria provided, single submitter. Criteria: GeneDx Variant Classification Process June 2021. Collection method: clinical testing. Allele origin: germline.
Comment: In silico analysis suggests that this missense variant does not alter protein structure/function; Has not been previously published as pathogenic or benign to our knowledge

Ambry Genetics
Classification: Uncertain significance for Inborn genetic diseases. Last evaluated: 2022-06-24. Review status: criteria provided, single submitter. Criteria: Ambry Variant Classification Scheme 2023. Collection method: clinical testing. Allele origin: germline.